The following is an entry in ClinVar:

ClinVar aggregate classification (germline): Uncertain significance (1 of 4 stars; one submission).

Submission:

Labcorp Genetics (formerly Invitae), Labcorp
Classification: Uncertain significance. Last evaluated: 2022-03-13. Review status: criteria provided, single submitter. Criteria: Invitae Variant Classification Sherloc (09022015). Collection method: clinical testing. Allele origin: germline.
Comment: This sequence change replaces proline, which is neutral and non-polar, with leucine, which is neutral and non-polar, at codon 65 of the NEK2 protein (p.Pro65Leu). In summary, the available evidence is currently insufficient to determine the role of this variant in disease. Therefore, it has been classified as a Variant of Uncertain Significance. Algorithms developed to predict the effect of missense changes on protein structure and function are either unavailable or do not agree on the potential impact of this missense change (SIFT: "Deleterious"; PolyPhen-2: "Possibly Damaging"; Align-GVGD: "Class C0"). This variant has not been reported in the literature in individuals affected with NEK2-related conditions. This variant is not present in population databases (gnomAD no frequency).

NM_002497.4(NEK2):c.194C>T (p.Pro65Leu)

Gene: NEK2 (NIMA related kinase 2; minus strand). Cytogenetic location: 1q32.3.
Variant type: single nucleotide variant.
Coding change: c.194C>T on transcript NM_002497.4 (MANE Select); coding-DNA position 194, C replaced by T.
Protein change: p.Pro65Leu; replaces proline 65 with leucine.
Molecular consequence: missense variant.
Genome position (GRCh38, 1-based): chr1:211,674,416, G>A on the plus strand (C>T on the coding strand, the complement: NEK2 is on the minus strand). VCF-style: chr1-211674416-G-A. GRCh37 (hg19) VCF-style: chr1-211847758-G-A.
Other names: c.194C>T, p.Pro65Leu (NM_001204182.2, NM_001204183.2); short protein forms P65L.
Identifiers: ClinVar variation 2111292 (VCV002111292.4), dbSNP rs2464404726, ClinGen allele CA344785299.